The following is an entry in ClinVar:

NM_001089.3(ABCA3):c.4545C>G (p.Tyr1515Ter)

Gene: ABCA3 (ATP binding cassette subfamily A member 3; minus strand). Cytogenetic location: 16p13.3.
Variant type: single nucleotide variant.
Coding change: c.4545C>G on transcript NM_001089.3 (MANE Select); coding-DNA position 4545, C replaced by G.
Protein change: p.Tyr1515Ter; replaces tyrosine 1515 with a stop codon.
Molecular consequence: nonsense.
Genome position (GRCh38, 1-based): chr16:2,278,945, G>C on the plus strand (C>G on the coding strand, the complement: ABCA3 is on the minus strand). VCF-style: chr16-2278945-G-C. GRCh37 (hg19) VCF-style: chr16-2328946-G-C.
Other names: short protein forms Y1515*.
Identifiers: ClinVar variation 992982 (VCV000992982.21), dbSNP rs2093650935, ClinGen allele CA394306437.

ClinVar aggregate classification (germline): Pathogenic. Review status: criteria provided, multiple submitters, no conflicts (2 of 4 stars). 6 submissions from 6 submitters: Pathogenic (4). 2 of the submissions do not count toward it. Last evaluated 2024-03-14.

Conditions:
Interstitial lung disease due to ABCA3 deficiency. Also called: PULMONARY ALVEOLAR PROTEINOSIS, CONGENITAL, 3. Identifiers: Orphanet 440402, MedGen C1970456, MONDO:0012582, OMIM 610921.
Hereditary pulmonary alveolar proteinosis. Also called: Pulmonary surfactant metabolism dysfunction. Identifiers: Orphanet 264675, MedGen C3711368, MONDO:0012580.

Submissions (6):

Genomic Medicine Center of Excellence, King Faisal Specialist Hospital and Research Centre
Classification: Pathogenic for Surfactant metabolism dysfunction, pulmonary, 3. Last evaluated: 2024-03-14. Review status: criteria provided, single submitter. Criteria: ACMG Guidelines, 2015. Collection method: clinical testing. Allele origin: germline.

Myriad Genetics, Inc.
Classification: Pathogenic for Interstitial lung disease due to ABCA3 deficiency. Last evaluated: 2024-02-03. Review status: criteria provided, single submitter. Criteria: Myriad Autosomal Dominant, Autosomal Recessive and X-Linked Classification Criteria (2023). Collection method: clinical testing. Allele origin: unknown.
Comment: NM_001089.2(ABCA3):c.4545C>G(Y1515*) is expected to be pathogenic in the context of surfactant deficiency, ABCA3-related. This variant is predicted to lead to an abnormal or absent protein product due to the creation of a premature termination codon in ABCA3, a gene where loss-of-function variants are known to be pathogenic. Please note: this variant was assessed in the context of healthy population screening.

Baylor Genetics
Classification: Pathogenic for Interstitial lung disease due to ABCA3 deficiency. Last evaluated: 2019-12-22. Review status: criteria provided, single submitter. Criteria: ACMG Guidelines, 2015. Collection method: clinical testing. Allele origin: unknown. Affected: yes.
Comment: This variant was determined to be pathogenic according to ACMG Guidelines, 2015 [PMID:25741868].

Ambry Genetics
Classification: Pathogenic for Hereditary pulmonary alveolar proteinosis. Last evaluated: 2018-02-22. Review status: criteria provided, single submitter. Criteria: Ambry Variant Classification Scheme 2023. Collection method: clinical testing. Allele origin: germline.
Comment: The p.Y1515* pathogenic mutation (also known as c.4545C>G), located in coding exon 26 of the ABCA3 gene, results from a C to G substitution at nucleotide position 4545. This changes the amino acid from a tyrosine to a stop codon within coding exon 26. This mutation has been identified in multiple Middle Eastern infants in the homozygous state, who all presented with severe neonatal respiratory distress syndrome (RDS) and passed away before 3 months of age (Wambach JA et al. Am J Respir Crit Care Med. 2014;15;189(12):1538-43; AlAnazi A et al. Ann Thorac Med, 2017;12:213-215). In addition to the clinical data presented in the literature, this alteration is expected to result in loss of function by premature protein truncation or nonsense-mediated mRNA decay. As such, this alteration is interpreted as a disease-causing mutation.

Clinical Laboratory Sciences Program (CLSP), King Saud bin Abdulaziz University for Health Sciences (KSAU-HS)
Classification: Pathogenic for Interstitial lung disease due to ABCA3 deficiency. Last evaluated: 2023-04-01. Review status: no assertion criteria provided. Collection method: clinical testing. Allele origin: germline. Affected: yes. Not counted in ClinVar's aggregate classification.

Biochemical Molecular Genetic Laboratory, King Abdulaziz Medical City
Classification: Pathogenic for Interstitial lung disease due to ABCA3 deficiency. Last evaluated: 2020-11-12. Review status: no assertion criteria provided. Collection method: clinical testing. Allele origin: germline. Affected: yes. Not counted in ClinVar's aggregate classification.

Literature cited by the submitters: PubMed 24871971 (cited by Ambry Genetics); PubMed 28808495 (cited by Ambry Genetics).